The following is an entry in ClinVar:

NM_000322.5(PRPH2):c.620A>G (p.Asp207Gly)

Gene: PRPH2 (peripherin 2; minus strand). Cytogenetic location: 6p21.1.
Variant type: single nucleotide variant.
Coding change: c.620A>G on transcript NM_000322.5 (MANE Select); coding-DNA position 620, A replaced by G.
Protein change: p.Asp207Gly; replaces aspartic acid 207 with glycine.
Molecular consequence: missense variant.
Genome position (GRCh38, 1-based): chr6:42,704,573, T>C on the plus strand (A>G on the coding strand, the complement: PRPH2 is on the minus strand). VCF-style: chr6-42704573-T-C. GRCh37 (hg19) VCF-style: chr6-42672311-T-C.
Other names: short protein forms D207G.
Identifiers: ClinVar variation 866397 (VCV000866397.13), dbSNP rs1800116925, ClinGen allele CA364135687.

ClinVar aggregate classification (germline): Conflicting classifications of pathogenicity. Review status: criteria provided, conflicting classifications (1 of 4 stars). 5 submissions from 5 submitters: Likely pathogenic (2); Uncertain significance (2). 1 of the submissions does not count toward it. Last evaluated 2026-04-28.

Conditions:
PRPH2-related disorder. Also called: PRPH2-related disorders; PRPH2-related condition. Identifiers: MedGen CN239395.
Retinal disorder. Also called: Retinopathy; Retinal disorders; Retinopathies; Retinal Diseases. Identifiers: MedGen C0035309, MONDO:0005283, HP:0000488.
Vitelliform macular dystrophy 2. Also called: MACULAR DEGENERATION, POLYMORPHIC VITELLINE; Best Vitelliform Macular Dystrophy (BVMD); VITELLIFORM MACULAR DYSTROPHY, EARLY-ONSET; VITELLIFORM MACULAR DYSTROPHY, JUVENILE-ONSET; Best Macular Dystrophy; Best vitelliform macular dystrophy, multifocal. Identifiers: Orphanet 1243, MedGen C2745945, MONDO:0007931, OMIM 153700.

Allele frequency attached by ClinVar (database versions not stated): gnomAD exomes below 0.00001.
gnomAD v4.1: 1 of 1,614,048 alleles (0.000062%); highest among the groups gnomAD compares: Non-Finnish European, 0.000085%; no homozygotes.

Submissions (5):

North West Genomic Laboratory Hub, Manchester University NHS Foundation Trust
Classification: Likely pathogenic for Retinal disorders. Last evaluated: 2026-04-28. Review status: criteria provided, single submitter. Criteria: ACGS Best Practice Guidelines for Variant Classification in Rare Disease 2024. Collection method: clinical testing. Allele origin: germline. Affected: yes.
Comment: PP4_Supp PS4_Supp PM2_Mod PP3_Supp PM1_Supp

Labcorp Genetics (formerly Invitae), Labcorp
Classification: Uncertain significance for PRPH2-related disorder. Last evaluated: 2024-05-22. Review status: criteria provided, single submitter. Criteria: Invitae Variant Classification Sherloc (09022015). Collection method: clinical testing. Allele origin: germline.
Comment: This sequence change replaces aspartic acid, which is acidic and polar, with glycine, which is neutral and non-polar, at codon 207 of the PRPH2 protein (p.Asp207Gly). This variant is not present in population databases (gnomAD no frequency). This missense change has been observed in individual(s) with Best disease (PMID: 32531846). ClinVar contains an entry for this variant (Variation ID: 866397). Advanced modeling of protein sequence and biophysical properties (such as structural, functional, and spatial information, amino acid conservation, physicochemical variation, residue mobility, and thermodynamic stability) performed at Invitae indicates that this missense variant is expected to disrupt PRPH2 protein function with a positive predictive value of 95%. In summary, the available evidence is currently insufficient to determine the role of this variant in disease. Therefore, it has been classified as a Variant of Uncertain Significance.

Blueprint Genetics
Classification: Likely pathogenic for PRPH2-related disorders. Last evaluated: 2022-10-30. Review status: criteria provided, single submitter. Criteria: ACMG Guidelines, 2015. Collection method: clinical testing. Allele origin: germline. Affected: yes. Observed: 3 variant alleles.

NEI Ophthalmic Genomics Laboratory, National Institutes of Health
Classification: Uncertain significance for Vitelliform macular dystrophy 2. Last evaluated: 2020-01-07. Review status: criteria provided, single submitter. Criteria: ACMG Guidelines, 2015. Collection method: clinical testing. Allele origin: germline. Affected: yes.
Comment: The variant NM_000322.4:c.620A>G in the PRPH2 gene has not been reported to our knowledge . This variant is not listed in dbSNP and/or HGMD. It is absent in gnomAD browser. It is not enriched in the PRPH2 disease cohort. We invoked ACMG criteria [PM1, PM2, PP3] and classified NM_000322.4:c.620A>G in the PRPH2 gene as a Variant of Uncertain Significance.

Leiden Open Variation Database
Classification: Uncertain significance. Last evaluated: 2021-04-06. Review status: no assertion criteria provided. Collection method: curation. Allele origin: germline. Affected: yes. Not counted in ClinVar's aggregate classification.
Comment: Curator: Global Variome, with Curator vacancy. Submitter to LOVD: Manon Peeters.

Literature cited by the submitters: PubMed 32531846 (cited by Labcorp Genetics (formerly Invitae), Labcorp and Leiden Open Variation Database).